The following is an entry in ClinVar:

NM_024665.7(TBL1XR1):c.197T>G (p.Ile66Ser)

Gene: TBL1XR1 (TBL1X/Y related 1; minus strand). Cytogenetic location: 3q26.32.
Variant type: single nucleotide variant.
Coding change: c.197T>G on transcript NM_024665.7 (MANE Select); coding-DNA position 197, T replaced by G.
Protein change: p.Ile66Ser; replaces isoleucine 66 with serine.
Molecular consequence: missense variant. On other transcripts: 5 prime UTR variant (2).
Genome position (GRCh38, 1-based): chr3:177,053,780, A>C on the plus strand (T>G on the coding strand, the complement: TBL1XR1 is on the minus strand). VCF-style: chr3-177053780-A-C. GRCh37 (hg19) VCF-style: chr3-176771568-A-C.
Other names: c.197T>G, p.Ile66Ser (NM_001321193.3, NM_001321194.3, NM_001374327.1 and 2 more transcripts); c.-65T>G (NM_001321195.3, NM_001374330.1); short protein forms I66S.
Identifiers: ClinVar variation 936037 (VCV000936037.10), dbSNP rs1717428641, ClinGen allele CA355553541.

ClinVar aggregate classification (germline): Uncertain significance. Review status: criteria provided, multiple submitters, no conflicts (2 of 4 stars). 2 submissions from 2 submitters: Uncertain significance (2). Last evaluated 2025-06-04.

Conditions:
Pierpont syndrome (PRPTS). Identifiers: Orphanet 487825, MedGen C1865644, MONDO:0011213, OMIM 602342.

Submissions (2):

GeneDx
Classification: Uncertain significance. Last evaluated: 2025-06-04. Review status: criteria provided, single submitter. Criteria: GeneDx Variant Classification Process June 2021. Collection method: clinical testing. Allele origin: germline. Affected: yes.
Comment: Not observed at significant frequency in large population cohorts (gnomAD); In silico analysis supports that this missense variant has a deleterious effect on protein structure/function; Has not been previously published as pathogenic or benign to our knowledge

Labcorp Genetics (formerly Invitae), Labcorp
Classification: Uncertain significance for Pierpont syndrome. Last evaluated: 2019-07-30. Review status: criteria provided, single submitter. Criteria: Invitae Variant Classification Sherloc (09022015). Collection method: clinical testing. Allele origin: germline.
Comment: This variant is not present in population databases (ExAC no frequency). This variant has not been reported in the literature in individuals with TBL1XR1-related conditions. Algorithms developed to predict the effect of missense changes on protein structure and function are either unavailable or do not agree on the potential impact of this missense change (SIFT: "Deleterious"; PolyPhen-2: "Benign"; Align-GVGD: "Class C35"). In summary, the available evidence is currently insufficient to determine the role of this variant in disease. Therefore, it has been classified as a Variant of Uncertain Significance. This sequence change replaces isoleucine with serine at codon 66 of the TBL1XR1 protein (p.Ile66Ser). The isoleucine residue is highly conserved and there is a large physicochemical difference between isoleucine and serine.